The following is an entry in ClinVar:

ClinVar aggregate classification (germline): Uncertain significance (1 of 4 stars; one submission).

Conditions:
Autosomal dominant hypocalcemia 1 (HYPOC1). Also called: HYPOCALCEMIA, FAMILIAL. Identifiers: MedGen C3715128, MONDO:0011013, OMIM 601198.
Familial hypocalciuric hypercalcemia (FHH). Also called: Familial benign hypercalcemia. Identifiers: Orphanet 405, MedGen C1809471, MONDO:0018458.

Submission:

Labcorp Genetics (formerly Invitae), Labcorp
Classification: Uncertain significance for Familial hypocalciuric hypercalcemia; Autosomal dominant hypocalcemia 1. Last evaluated: 2023-11-02. Review status: criteria provided, single submitter. Criteria: Invitae Variant Classification Sherloc (09022015). Collection method: clinical testing. Allele origin: germline.
Comment: This sequence change replaces phenylalanine, which is neutral and non-polar, with isoleucine, which is neutral and non-polar, at codon 65 of the CASR protein (p.Phe65Ile). This variant is not present in population databases (gnomAD no frequency). This variant has not been reported in the literature in individuals affected with CASR-related conditions. An algorithm developed to predict the effect of missense changes on protein structure and function (PolyPhen-2) suggests that this variant is likely to be disruptive. In summary, the available evidence is currently insufficient to determine the role of this variant in disease. Therefore, it has been classified as a Variant of Uncertain Significance.

NM_000388.4(CASR):c.193T>A (p.Phe65Ile)

Gene: CASR (calcium sensing receptor; plus strand). Cytogenetic location: 3q21.1.
Variant type: single nucleotide variant.
Coding change: c.193T>A on transcript NM_000388.4 (MANE Select); coding-DNA position 193, T replaced by A.
Protein change: p.Phe65Ile; replaces phenylalanine 65 with isoleucine.
Molecular consequence: missense variant.
Genome position (GRCh38, 1-based): chr3:122,257,088, T>A. VCF-style: chr3-122257088-T-A. GRCh37 (hg19) VCF-style: chr3-121975935-T-A.
Other names: c.193T>A, p.Phe65Ile (NM_001178065.2); short protein forms F65I.
Identifiers: ClinVar variation 2953497 (VCV002953497.3), dbSNP rs2473213937, ClinGen allele CA354362352.